The following is an entry in ClinVar:

ClinVar aggregate classification (germline): Uncertain significance (1 of 4 stars; one submission).

Submission:

GeneDx
Classification: Uncertain significance. Last evaluated: 2024-10-01. Review status: criteria provided, single submitter. Criteria: GeneDx Variant Classification Process June 2021. Collection method: clinical testing. Allele origin: germline. Affected: yes.
Comment: Not observed at significant frequency in large population cohorts (gnomAD); Canonical splice site variant in a gene or region of a gene for which loss of function is not a well-established mechanism of disease; Has not been previously published as pathogenic or benign to our knowledge

NM_001375524.1(TRRAP):c.9390-2A>G

Gene: TRRAP (transformation/transcription domain associated protein; plus strand). Cytogenetic location: 7q22.1.
Variant type: single nucleotide variant.
Coding change: c.9390-2A>G on transcript NM_001375524.1 (MANE Select); the canonical splice acceptor site of the intron before coding-DNA position 9390, A replaced by G.
Molecular consequence: splice acceptor variant.
Genome position (GRCh38, 1-based): chr7:98,988,763, A>G. VCF-style: chr7-98988763-A-G. GRCh37 (hg19) VCF-style: chr7-98586386-A-G.
Other names: c.9402-2A>G (NM_001244580.2); c.9315-2A>G (NM_003496.4).
Identifiers: ClinVar variation 3776592 (VCV003776592.1).